The following is an entry in ClinVar:

ClinVar aggregate classification (germline): Pathogenic/Likely pathogenic. Review status: criteria provided, multiple submitters, no conflicts (2 of 4 stars). 6 submissions from 5 submitters: Pathogenic (4); Likely pathogenic (1). 1 of the submissions does not count toward it. Last evaluated 2026-01-08.

Conditions:
Hereditary cancer-predisposing syndrome. Also called: Neoplastic Syndromes, Hereditary; Tumor predisposition; Hereditary Cancer Syndrome; Hereditary neoplastic syndrome. Identifiers: Orphanet 140162, MedGen C0027672, MeSH D009386, MONDO:0015356.
Nijmegen breakage syndrome-like disorder (NBSLD). Also called: MICROCEPHALY AND SPONTANEOUS CHROMOSOME INSTABILITY WITHOUT IMMUNODEFICIENCY; NBS-LIKE DISORDER; RAD50 DEFICIENCY. Identifiers: Orphanet 240760, MedGen C2751318, MONDO:0013118, OMIM 613078.

Submissions (6):

Labcorp Genetics (formerly Invitae), Labcorp
Classification: Pathogenic for Hereditary cancer-predisposing syndrome. Last evaluated: 2026-01-08. Review status: criteria provided, single submitter. Criteria: Invitae Variant Classification Sherloc (09022015). Collection method: clinical testing. Allele origin: germline.
Comment: This sequence change creates a premature translational stop signal (p.Leu424Glufs*7) in the RAD50 gene. It is expected to result in an absent or disrupted protein product. Loss-of-function variants in RAD50 are known to be pathogenic (PMID: 19409520). The frequency data for this variant in the population databases is considered unreliable, as metrics indicate poor data quality at this position in the gnomAD database. This variant has not been reported in the literature in individuals affected with RAD50-related conditions. ClinVar contains an entry for this variant (Variation ID: 187444). For these reasons, this variant has been classified as Pathogenic.

Ambry Genetics
Classification: Pathogenic for Hereditary cancer-predisposing syndrome. Last evaluated: 2023-04-28. Review status: criteria provided, single submitter. Criteria: Ambry Variant Classification Scheme 2023. Collection method: clinical testing. Allele origin: germline.
Comment: The c.1270_1271delCT pathogenic mutation, located in coding exon 9 of the RAD50 gene, results from a deletion of two nucleotides at nucleotide positions 1270 to 1271, causing a translational frameshift with a predicted alternate stop codon (p.L424Efs*7). This alteration is expected to result in loss of function by premature protein truncation or nonsense-mediated mRNA decay. As such, this alteration is interpreted as a disease-causing mutation.

Fulgent Genetics
Classification: Likely pathogenic for Nijmegen breakage syndrome-like disorder. Last evaluated: 2022-04-25. Review status: criteria provided, single submitter. Criteria: ACMG Guidelines, 2015. Collection method: clinical testing. Allele origin: unknown.

Baylor Genetics
Classification: Pathogenic for Nijmegen breakage syndrome-like disorder. Last evaluated: 2021-12-26. Review status: criteria provided, single submitter. Criteria: ACMG Guidelines, 2015. Collection method: clinical testing. Allele origin: unknown.

Revvity Omics, Revvity
Classification: Pathogenic for Nijmegen breakage syndrome-like disorder. Last evaluated: 2020-03-19. Review status: criteria provided, single submitter. Criteria: ACMG Guidelines, 2015. Collection method: clinical testing. Allele origin: germline.

Ambry Genetics
Classification: Pathogenic for Neoplastic Syndromes, Hereditary. Last evaluated: 2012-12-13. Review status: flagged submission. Criteria: Ambry Autosomal Dominant and X-Linked criteria (9/4/14). Collection method: clinical testing. Allele origin: germline. Not counted in ClinVar's aggregate classification.
ClinVar note: Reason: This record appears to be redundant with a more recent record from the same submitter.
ClinVar note: Notes: SCV000183771 appears to be redundant with SCV000218006.

Literature cited by the submitters: PubMed 19409520 (cited by Labcorp Genetics (formerly Invitae), Labcorp).

NM_005732.4(RAD50):c.1270_1271del (p.Leu424fs)

Gene: RAD50 (RAD50 double strand break repair protein; plus strand). Cytogenetic location: 5q31.1.
Variant type: Microsatellite.
Coding change: c.1270_1271del on transcript NM_005732.4 (MANE Select); coding-DNA positions 1270 to 1271, 2 bases deleted (CT; older notation c.1270_1271delCT).
Protein change: p.Leu424fs; shifts the reading frame from leucine 424.
Molecular consequence: frameshift variant.
Genome position (GRCh38, 1-based): chr5:132,589,655-132,589,656, CT deleted; deleting any 2 consecutive bases within chr5:132,589,653-132,589,656 gives the same sequence; the c. name uses the placement nearest the transcript's 3' end. VCF-style (leftmost placement, unchanged base first): chr5-132589652-ACT-A. GRCh37 (hg19) VCF-style: chr5-131925344-ACT-A.
Other names: c.1270_1271del (NM_005732.3); short protein forms L424fs.
Identifiers: ClinVar variation 187444 (VCV000187444.17), dbSNP rs587781327, ClinGen allele CA163761.